The following is an entry in ClinVar:

ClinVar aggregate classification (germline): Uncertain significance (1 of 4 stars; one submission).

Conditions:
Inborn genetic diseases. Identifiers: MedGen C0950123, MeSH D030342.

Allele frequency attached by ClinVar (database versions not stated): ExAC 0.00001.
gnomAD v4.1: 7 of 1,605,760 alleles (0.00044%); highest among the groups gnomAD compares: Admixed American, 0.0068%; no homozygotes.

Submission:

Ambry Genetics
Classification: Uncertain significance for Inborn genetic diseases. Last evaluated: 2023-05-05. Review status: criteria provided, single submitter. Criteria: Ambry Variant Classification Scheme 2023. Collection method: clinical testing. Allele origin: germline.
Comment: The c.496A>G (p.N166D) alteration is located in exon 5 (coding exon 5) of the TNRC6B gene. This alteration results from an A to G substitution at nucleotide position 496, causing the asparagine (N) at amino acid position 166 to be replaced by an aspartic acid (D). Based on data from gnomAD, the G allele has an overall frequency of 0.001% (2/243914) total alleles studied. The highest observed frequency was 0.017% (1/5888) of Other alleles. This amino acid position is highly conserved in available vertebrate species. This alteration is predicted to be tolerated by in silico analysis. Based on insufficient or conflicting evidence, the clinical significance of this alteration remains unclear.

NM_001162501.2(TNRC6B):c.496A>G (p.Asn166Asp)

Gene: TNRC6B (trinucleotide repeat containing adaptor 6B; plus strand). Cytogenetic location: 22q13.1.
Variant type: single nucleotide variant.
Coding change: c.496A>G on transcript NM_001162501.2 (MANE Select); coding-DNA position 496, A replaced by G.
Protein change: p.Asn166Asp; replaces asparagine 166 with aspartic acid.
Molecular consequence: missense variant. On other transcripts: intron variant (1).
Genome position (GRCh38, 1-based): chr22:40,264,726, A>G. VCF-style: chr22-40264726-A-G. GRCh37 (hg19) VCF-style: chr22-40660730-A-G.
Other names: c.496A>G, p.Asn166Asp (NM_015088.3); c.565+2553A>G (NM_001024843.2); short protein forms N166D.
Identifiers: ClinVar variation 2568592 (VCV002568592.2), dbSNP rs780746701, ClinGen allele CA10246527.
Genomic context (GRCh38, chr22:40,264,726, plus strand): 5'-AATAAGATGATCTGTTCCCCAGACTCAACCCTTGGAGGTGCTGCTGCTTCAAATTATGCA[A>G]ATTCCACTTGGGGCTCGGGAGCCTCCTCCAACAACGGCACCTCCCCCAACCCAATTCACA-3'
Protein context (NP_001155973.1, residues 156-176): LGGAAASNYA[Asn166Asp]STWGSGASSN